The following is an entry in ClinVar:

ClinVar aggregate classification (germline): Uncertain significance (1 of 4 stars; one submission).

Submission:

Ambry Genetics
Classification: Uncertain significance. Last evaluated: 2025-01-20. Review status: criteria provided, single submitter. Criteria: Ambry Variant Classification Scheme 2023. Collection method: clinical testing. Allele origin: germline.
Comment: The p.F86S variant (also known as c.257T>C), located in coding exon 2 of the GFI1 gene, results from a T to C substitution at nucleotide position 257. The phenylalanine at codon 86 is replaced by serine, an amino acid with highly dissimilar properties. This amino acid position is conserved. In addition, this alteration is predicted to be tolerated by in silico analysis. Based on the available evidence, the clinical significance of this variant remains unclear.

NM_005263.5(GFI1):c.257T>C (p.Phe86Ser)

Gene: GFI1 (growth factor independent 1 transcriptional repressor; minus strand). Cytogenetic location: 1p22.1.
Variant type: single nucleotide variant.
Coding change: c.257T>C on transcript NM_005263.5 (MANE Select); coding-DNA position 257, T replaced by C.
Protein change: p.Phe86Ser; replaces phenylalanine 86 with serine.
Molecular consequence: missense variant.
Genome position (GRCh38, 1-based): chr1:92,482,905, A>G on the plus strand (T>C on the coding strand, the complement: GFI1 is on the minus strand). VCF-style: chr1-92482905-A-G. GRCh37 (hg19) VCF-style: chr1-92948462-A-G.
Other names: c.257T>C, p.Phe86Ser (NM_001127215.3, NM_001127216.3); short protein forms F86S.
Identifiers: ClinVar variation 3281233 (VCV003281233.2).